The following is an entry in ClinVar:

ClinVar aggregate classification (germline): Benign/Likely benign. Review status: criteria provided, multiple submitters, no conflicts (2 of 4 stars). 3 submissions from 3 submitters: Benign (1); Likely benign (1). 1 of the submissions does not count toward it. Last evaluated 2024-05-26.

Conditions:
KMT2D-related disorder. Also called: KMT2D-Related Disorders.
Kabuki syndrome. Also called: Kabuki make-up syndrome; NIIKAWA-KUROKI SYNDROME. Identifiers: Orphanet 2322, MedGen C0796004, MONDO:0016512.

Allele frequency attached by ClinVar (database versions not stated): TOPMed 0.00002; gnomAD 0.00006.
gnomAD v4.1: 17 of 1,613,862 alleles (0.0011%); highest among the groups gnomAD compares: Non-Finnish European, 0.0014%; no homozygotes.

Submissions (3):

Labcorp Genetics (formerly Invitae), Labcorp
Classification: Benign for Kabuki syndrome. Last evaluated: 2024-05-26. Review status: criteria provided, single submitter. Criteria: Invitae Variant Classification Sherloc (09022015). Collection method: clinical testing. Allele origin: germline.

Blueprint Genetics
Classification: Likely benign. Last evaluated: 2022-06-22. Review status: criteria provided, single submitter. Criteria: ACMG Guidelines, 2015. Collection method: clinical testing. Allele origin: germline.

PreventionGenetics, part of Exact Sciences
Classification: Uncertain significance for KMT2D-related condition. Last evaluated: 2024-02-21. Review status: no assertion criteria provided. Collection method: clinical testing. Allele origin: germline. Not counted in ClinVar's aggregate classification.
Comment: The KMT2D c.13633G>T variant is predicted to result in the amino acid substitution p.Val4545Phe. To our knowledge, this variant has not been reported in the literature. This variant is reported in 0.0031% of alleles in individuals of European (Non-Finnish) descent in gnomAD. At this time, the clinical significance of this variant is uncertain due to the absence of conclusive functional and genetic evidence.

NM_003482.4(KMT2D):c.13633G>T (p.Val4545Phe)

Gene: KMT2D (lysine methyltransferase 2D; minus strand). Cytogenetic location: 12q13.12.
Variant type: single nucleotide variant.
Coding change: c.13633G>T on transcript NM_003482.4 (MANE Select); coding-DNA position 13633, G replaced by T.
Protein change: p.Val4545Phe; replaces valine 4545 with phenylalanine.
Molecular consequence: missense variant.
Genome position (GRCh38, 1-based): chr12:49,030,931, C>A on the plus strand (G>T on the coding strand, the complement: KMT2D is on the minus strand). VCF-style: chr12-49030931-C-A. GRCh37 (hg19) VCF-style: chr12-49424714-C-A.
Other names: short protein forms V4545F.
Identifiers: ClinVar variation 2166832 (VCV002166832.7), dbSNP rs753655111, ClinGen allele CA6545958.